The following is an entry in ClinVar:

ClinVar aggregate classification (germline): Uncertain significance (1 of 4 stars; one submission).

Allele frequency attached by ClinVar (database versions not stated): TOPMed below 0.00001; gnomAD exomes 0.00001; ExAC 0.00002.
gnomAD v4.1: 15 of 1,614,110 alleles (0.00093%); highest among the groups gnomAD compares: East Asian, 0.0045%; no homozygotes.

Submission:

Labcorp Genetics (formerly Invitae), Labcorp
Classification: Uncertain significance. Last evaluated: 2024-09-17. Review status: criteria provided, single submitter. Criteria: Invitae Variant Classification Sherloc (09022015). Collection method: clinical testing. Allele origin: germline.
Comment: This sequence change replaces alanine, which is neutral and non-polar, with valine, which is neutral and non-polar, at codon 1767 of the MYH3 protein (p.Ala1767Val). This variant is present in population databases (rs770274849, gnomAD 0.004%). This variant has not been reported in the literature in individuals affected with MYH3-related conditions. ClinVar contains an entry for this variant (Variation ID: 1979110). Invitae Evidence Modeling of protein sequence and biophysical properties (such as structural, functional, and spatial information, amino acid conservation, physicochemical variation, residue mobility, and thermodynamic stability) indicates that this missense variant is not expected to disrupt MYH3 protein function with a negative predictive value of 95%. In summary, the available evidence is currently insufficient to determine the role of this variant in disease. Therefore, it has been classified as a Variant of Uncertain Significance.

NM_002470.4(MYH3):c.5300C>T (p.Ala1767Val)

Gene: MYH3 (myosin heavy chain 3; minus strand). Cytogenetic location: 17p13.1.
Variant type: single nucleotide variant.
Coding change: c.5300C>T on transcript NM_002470.4 (MANE Select); coding-DNA position 5300, C replaced by T.
Protein change: p.Ala1767Val; replaces alanine 1767 with valine.
Molecular consequence: missense variant.
Genome position (GRCh38, 1-based): chr17:10,630,445, G>A on the plus strand (C>T on the coding strand, the complement: MYH3 is on the minus strand). VCF-style: chr17-10630445-G-A. GRCh37 (hg19) VCF-style: chr17-10533762-G-A.
Other names: short protein forms A1767V.
Identifiers: ClinVar variation 1979110 (VCV001979110.4), dbSNP rs770274849, ClinGen allele CA8391969.
Genomic context (GRCh38, chr17:10,630,445, plus strand): 5'-AGGTTCTTCTTCATCCGCTCAAGGTGGGCGCTGGTGTCCTGCTCCTTCTTCAGCTCCTCC[G>A]CCATCATGGCAGCCTGAAAAGCACATGGGACTTGCTAGGATGCAGAGGAAGCTCCAGTGC-3'
Protein context (NP_002461.2, residues 1757-1777): KKAITDAAMM[Ala1767Val]EELKKEQDTS